The following is an entry in ClinVar:

ClinVar aggregate classification (germline): Likely pathogenic (1 of 4 stars; one submission).

Submission:

GeneDx
Classification: Likely pathogenic. Last evaluated: 2026-03-04. Review status: criteria provided, single submitter. Criteria: GeneDx Variant Classification Process June 2021. Collection method: clinical testing. Allele origin: germline.
Comment: Nonsense variant predicted to result in protein truncation, as the last 15 amino acid(s) are lost, and other loss-of-function variants have been reported downstream in HGMD; Not observed at significant frequency in large population cohorts (gnomAD); Has not been previously published as pathogenic or benign to our knowledge

NM_001101.5(ACTB):c.1081G>T (p.Glu361Ter)

Gene: ACTB (actin beta; minus strand). Cytogenetic location: 7p22.1.
Variant type: single nucleotide variant.
Coding change: c.1081G>T on transcript NM_001101.5 (MANE Select); coding-DNA position 1081, G replaced by T.
Protein change: p.Glu361Ter; replaces glutamic acid 361 with a stop codon.
Molecular consequence: nonsense.
Genome position (GRCh38, 1-based): chr7:5,527,795, C>A on the plus strand (G>T on the coding strand, the complement: ACTB is on the minus strand). VCF-style: chr7-5527795-C-A. GRCh37 (hg19) VCF-style: chr7-5567426-C-A.
Other names: short protein forms E361*.
Identifiers: ClinVar variation 5008470 (VCV005008470.1).